The following is an entry in ClinVar:

NM_015692.5(CPAMD8):c.1689C>A (p.Tyr563Ter)

Gene: CPAMD8 (C3 and PZP like alpha-2-macroglobulin domain containing 8; minus strand). Cytogenetic location: 19p13.11.
Variant type: single nucleotide variant.
Coding change: c.1689C>A on transcript NM_015692.5 (MANE Select); coding-DNA position 1689, C replaced by A.
Protein change: p.Tyr563Ter; replaces tyrosine 563 with a stop codon.
Molecular consequence: nonsense.
Genome position (GRCh38, 1-based): chr19:16,977,437, G>T on the plus strand (C>A on the coding strand, the complement: CPAMD8 is on the minus strand). VCF-style: chr19-16977437-G-T. GRCh37 (hg19) VCF-style: chr19-17088247-G-T.
Other names: short protein forms Y563*.
Identifiers: ClinVar variation 2086333 (VCV002086333.3), dbSNP rs368338696, ClinGen allele CA9285616.

ClinVar aggregate classification (germline): Pathogenic (1 of 4 stars; one submission).

Allele frequency attached by ClinVar (database versions not stated): ESP Exome Variant Server 0.00008.
gnomAD v4.1: 248 of 1,612,372 alleles (0.015%); highest among the groups gnomAD compares: Non-Finnish European, 0.019%; no homozygotes.

Submission:

Labcorp Genetics (formerly Invitae), Labcorp
Classification: Pathogenic. Last evaluated: 2025-06-04. Review status: criteria provided, single submitter. Criteria: Invitae Variant Classification Sherloc (09022015). Collection method: clinical testing. Allele origin: germline.
Comment: This sequence change creates a premature translational stop signal (p.Tyr610*) in the CPAMD8 gene. It is expected to result in an absent or disrupted protein product. Loss-of-function variants in CPAMD8 are known to be pathogenic (PMID: 27839872, 29556725). This variant is present in population databases (rs368338696, gnomAD 0.02%). This variant has not been reported in the literature in individuals affected with CPAMD8-related conditions. ClinVar contains an entry for this variant (Variation ID: 2086333). For these reasons, this variant has been classified as Pathogenic.

Literature cited by the submitters: PubMed 27839872; PubMed 29556725.